The following is an entry in ClinVar:

ClinVar aggregate classification (germline): Benign/Likely benign. Review status: criteria provided, multiple submitters, no conflicts (2 of 4 stars). 3 submissions from 3 submitters: Benign (1); Likely benign (2). Last evaluated 2025-02-24.

Conditions:
Breast-ovarian cancer, familial, susceptibility to, 4. Identifiers: Orphanet 145, MedGen C3280345, MONDO:0013669, OMIM 614291.
Hereditary cancer-predisposing syndrome. Also called: Neoplastic Syndromes, Hereditary; Tumor predisposition; Hereditary Cancer Syndrome; Hereditary neoplastic syndrome. Identifiers: Orphanet 140162, MedGen C0027672, MeSH D009386, MONDO:0015356.

Submissions (3):

Myriad Genetics, Inc.
Classification: Benign for Breast-ovarian cancer, familial, susceptibility to, 4. Last evaluated: 2025-02-24. Review status: criteria provided, single submitter. Criteria: Myriad Autosomal Dominant, Autosomal Recessive and X-Linked Classification Criteria (2023). Collection method: clinical testing. Allele origin: unknown.
Comment: This variant is considered benign. This variant is a silent/synonymous amino acid change and it is not expected to impact splicing.

Labcorp Genetics (formerly Invitae), Labcorp
Classification: Likely benign for Breast-ovarian cancer, familial, susceptibility to, 4. Last evaluated: 2025-01-19. Review status: criteria provided, single submitter. Criteria: Invitae Variant Classification Sherloc (09022015). Collection method: clinical testing. Allele origin: germline.

Ambry Genetics
Classification: Likely benign for Hereditary cancer-predisposing syndrome. Last evaluated: 2015-09-18. Review status: criteria provided, single submitter. Criteria: Ambry Variant Classification Scheme 2023. Collection method: clinical testing. Allele origin: germline.

NM_002878.4(RAD51D):c.823C>A (p.Arg275=)

Genes: RAD51L3-RFFL (RAD51L3-RFFL readthrough; minus strand), RAD51D (RAD51 paralog D; minus strand). Cytogenetic location: 17q12.
Variant type: single nucleotide variant.
Coding change: c.823C>A on transcript NM_002878.4 (MANE Select); coding-DNA position 823, C replaced by A.
Protein change: p.Arg275=; no amino-acid change (arginine 275 retained).
Molecular consequence: synonymous variant. On other transcripts: non-coding transcript variant (3).
Genome position (GRCh38, 1-based): chr17:35,101,281, G>T on the plus strand (C>A on the coding strand, the complement: RAD51D is on the minus strand). VCF-style: chr17-35101281-G-T. GRCh37 (hg19) VCF-style: chr17-33428300-G-T.
Other names: c.883C>A, p.Arg295= (NM_001142571.2); c.487C>A, p.Arg163= (NM_133629.3).
Identifiers: ClinVar variation 233914 (VCV000233914.16), dbSNP rs752780416, ClinGen allele CA10580443.